The following is an entry in ClinVar:

ClinVar aggregate classification (germline): Conflicting classifications of pathogenicity. Review status: criteria provided, conflicting classifications (1 of 4 stars). 3 submissions from 3 submitters: Uncertain significance (2); Likely benign (1). Last evaluated 2022-06-24.

Conditions:
Spermatogenic failure 19. Identifiers: MedGen C4539818, MONDO:0054723, OMIM 617592.

Allele frequency attached by ClinVar (database versions not stated): TOPMed 0.00007; gnomAD 0.00014 and 0.00015; ESP Exome Variant Server 0.00015; 1000 Genomes Project 30x 0.00016; gnomAD exomes 0.00017 and 0.00023; 1000 Genomes Project 0.00020; ExAC 0.00021.

Submissions (3):

Ambry Genetics
Classification: Likely benign. Last evaluated: 2022-06-24. Review status: criteria provided, single submitter. Criteria: Ambry Variant Classification Scheme 2023. Collection method: clinical testing. Allele origin: germline.

Baylor Genetics
Classification: Uncertain significance for Spermatogenic failure 19. Last evaluated: 2019-09-06. Review status: criteria provided, single submitter. Criteria: ACMG Guidelines, 2015. Collection method: clinical testing. Allele origin: unknown. Affected: yes.
Comment: This variant was determined to be of uncertain significance according to ACMG Guidelines, 2015 [PMID:25741868].

Breakthrough Genomics
Classification: Uncertain significance. Review status: criteria provided, single submitter. Criteria: ACMG Guidelines, 2015. Collection method: not provided. Allele origin: germline. Inheritance: Autosomal recessive inheritance. Affected: yes.

NM_025145.7(CFAP43):c.929T>C (p.Val310Ala)

Gene: CFAP43 (cilia and flagella associated protein 43; minus strand). Cytogenetic location: 10q25.1.
Variant type: single nucleotide variant.
Coding change: c.929T>C on transcript NM_025145.7 (MANE Select); coding-DNA position 929, T replaced by C.
Protein change: p.Val310Ala; replaces valine 310 with alanine.
Molecular consequence: missense variant.
Genome position (GRCh38, 1-based): chr10:104,205,997, A>G on the plus strand (T>C on the coding strand, the complement: CFAP43 is on the minus strand). VCF-style: chr10-104205997-A-G. GRCh37 (hg19) VCF-style: chr10-105965755-A-G.
Other names: short protein forms V310A.
Identifiers: ClinVar variation 1030904 (VCV001030904.5), dbSNP rs138825875, ClinGen allele CA5681074.
Genomic context (GRCh38, chr10:104,205,997, plus strand): 5'-TTAATTTGAAAAAAAGAATACATTACAATTCCAGAAGCCAGCACGCCCTCCTTCTGATAT[A>G]CCAAGGTTACTGGACTGATAAAATTTCTTCTGTCTTCTGGAAAAGAAAAACAAGGTAAAG-3'
Protein context (NP_079421.5, residues 300-320): RRNFISPVTL[Val310Ala]YQKEGVLASG